The following is an entry in ClinVar:

NM_152906.7(TANGO2):c.31C>T (p.Arg11Cys)

Gene: TANGO2 (transport and golgi organization 2 homolog; plus strand). Cytogenetic location: 22q11.21.
Variant type: single nucleotide variant.
Coding change: c.31C>T on transcript NM_152906.7 (MANE Select); coding-DNA position 31, C replaced by T.
Protein change: p.Arg11Cys; replaces arginine 11 with cysteine.
Molecular consequence: missense variant. On other transcripts: 5 prime UTR variant (20), non-coding transcript variant (5).
Genome position (GRCh38, 1-based): chr22:20,036,829, C>T. VCF-style: chr22-20036829-C-T. GRCh37 (hg19) VCF-style: chr22-20024352-C-T.
Other names: c.31C>T, p.Arg11Cys (NM_001283106.3, NM_001283116.3, NM_001283148.3 and 10 more transcripts); c.-87C>T (NM_001283129.3, NM_001283215.3, NM_001322141.2 and 5 more transcripts); c.-149C>T (NM_001283235.3, NM_001322146.2, NM_001322153.2 and 5 more transcripts); c.-389C>T (NM_001322148.2, NM_001322150.2, NM_001322172.2 and 1 more transcripts); c.31C>T (NM_152906.4); short protein forms R11C.
Identifiers: ClinVar variation 1488660 (VCV001488660.6), dbSNP rs955838517, ClinGen allele CA322130926.

ClinVar aggregate classification (germline): Uncertain significance. Review status: criteria provided, multiple submitters, no conflicts (2 of 4 stars). 2 submissions from 2 submitters: Uncertain significance (2). Last evaluated 2023-12-20.

Conditions:
Inborn genetic diseases. Identifiers: MedGen C0950123, MeSH D030342.

Allele frequency attached by ClinVar (database versions not stated): gnomAD exomes below 0.00001; TOPMed below 0.00001; gnomAD 0.00001.
gnomAD v4.1: 6 of 1,614,130 alleles (0.00037%); highest among the groups gnomAD compares: African/African-American, 0.0013%; no homozygotes.

Submissions (2):

Ambry Genetics
Classification: Uncertain significance for Inborn genetic diseases. Last evaluated: 2023-12-20. Review status: criteria provided, single submitter. Criteria: Ambry Variant Classification Scheme 2023. Collection method: clinical testing. Allele origin: germline.

Labcorp Genetics (formerly Invitae), Labcorp
Classification: Uncertain significance. Last evaluated: 2022-03-10. Review status: criteria provided, single submitter. Criteria: Invitae Variant Classification Sherloc (09022015). Collection method: clinical testing. Allele origin: germline.
Comment: This sequence change replaces arginine, which is basic and polar, with cysteine, which is neutral and slightly polar, at codon 11 of the TANGO2 protein (p.Arg11Cys). This variant is not present in population databases (gnomAD no frequency). This variant has not been reported in the literature in individuals affected with TANGO2-related conditions. Algorithms developed to predict the effect of missense changes on protein structure and function are either unavailable or do not agree on the potential impact of this missense change (SIFT: "Not Available"; PolyPhen-2: "Benign"; Align-GVGD: "Not Available"). Algorithms developed to predict the effect of sequence changes on RNA splicing suggest that this variant may disrupt the consensus splice site. In summary, the available evidence is currently insufficient to determine the role of this variant in disease. Therefore, it has been classified as a Variant of Uncertain Significance.